The following is an entry in ClinVar:

ClinVar aggregate classification (germline): Uncertain significance (1 of 4 stars; one submission).

gnomAD v4.1: 1 of 1,530,518 alleles (0.000065%); highest among the groups gnomAD compares: African/African-American, 0.0015%; no homozygotes.

Submission:

Labcorp Genetics (formerly Invitae), Labcorp
Classification: Uncertain significance. Last evaluated: 2024-03-17. Review status: criteria provided, single submitter. Criteria: Invitae Variant Classification Sherloc (09022015). Collection method: clinical testing. Allele origin: germline.
Comment: This sequence change falls in intron 19 of the CAMK2B gene. It does not directly change the encoded amino acid sequence of the CAMK2B protein. The frequency data for this variant in the population databases is considered unreliable, as metrics indicate poor data quality at this position in the gnomAD database. This variant has not been reported in the literature in individuals affected with CAMK2B-related conditions. Algorithms developed to predict the effect of sequence changes on RNA splicing suggest that this variant may disrupt the consensus splice site. In summary, the available evidence is currently insufficient to determine the role of this variant in disease. Therefore, it has been classified as a Variant of Uncertain Significance.

NM_001220.5(CAMK2B):c.1469-13T>G

Gene: CAMK2B (calcium/calmodulin dependent protein kinase II beta; minus strand). Cytogenetic location: 7p13.
Variant type: single nucleotide variant.
Coding change: c.1469-13T>G on transcript NM_001220.5 (MANE Select); 13 bases into the intron before coding-DNA position 1469, T replaced by G.
Molecular consequence: intron variant.
Genome position (GRCh38, 1-based): chr7:44,226,657, A>C on the plus strand (T>G on the coding strand, the complement: CAMK2B is on the minus strand). VCF-style: chr7-44226657-A-C. GRCh37 (hg19) VCF-style: chr7-44266256-A-C.
Other names: c.947-5756T>G (NM_172084.3); c.1150+4349T>G (NM_172080.3); c.1036+4349T>G (NM_172083.3); c.1108+4349T>G (NM_172081.3); c.1153+4349T>G (NM_172079.3, NM_172082.3); c.1225+4349T>G (NM_001293170.2, NM_172078.3).
Identifiers: ClinVar variation 3631071 (VCV003631071.2).